The following is an entry in ClinVar:

ClinVar aggregate classification (germline): Pathogenic (1 of 4 stars; one submission).

Conditions:
Deficiency of galactokinase. Also called: GALACTOSEMIA II; Galactokinase deficiency with cataracts. Identifiers: Orphanet 352, Orphanet 79237, MedGen C0268155, MONDO:0009255, OMIM 230200.

Submission:

Myriad Genetics, Inc.
Classification: Pathogenic for Deficiency of galactokinase. Last evaluated: 2024-08-03. Review status: criteria provided, single submitter. Criteria: Myriad Autosomal Dominant, Autosomal Recessive and X-Linked Classification Criteria (2023). Collection method: clinical testing. Allele origin: unknown.
Comment: NM_000154.1(GALK1):c.313delCinsGG(R105Gfs*98) is expected to be pathogenic in the context of galactokinase deficiency. This variant is predicted to lead to an abnormal or absent protein product due to the creation of a premature termination codon in GALK1, a gene where loss-of-function variants are known to be pathogenic. Please note: this variant was assessed in the context of healthy population screening.

NM_000154.2(GALK1):c.313delinsGG (p.Arg105fs)

Gene: GALK1 (galactokinase 1; minus strand). Cytogenetic location: 17q25.1.
Variant type: Indel.
Coding change: c.313delinsGG on transcript NM_000154.2 (MANE Select); coding-DNA position 313, C replaced by GG.
Protein change: p.Arg105fs; shifts the reading frame from arginine 105.
Molecular consequence: frameshift variant.
Genome position (GRCh38, 1-based): chr17:75,763,939, G replaced by CC on the plus strand (C replaced by GG on the coding strand, the reverse complement: GALK1 is on the minus strand). VCF-style: chr17-75763939-G-CC. GRCh37 (hg19) VCF-style: chr17-73760020-G-CC.
Other names: c.313delinsGG, p.Arg105fs (NM_001381985.1); short protein forms R105fs.
Identifiers: ClinVar variation 5013412 (VCV005013412.1).